The following is an entry in ClinVar:

ClinVar aggregate classification (germline): Conflicting classifications of pathogenicity. Review status: criteria provided, conflicting classifications (1 of 4 stars). 2 submissions from 2 submitters: Likely pathogenic (1); Uncertain significance (1). Last evaluated 2023-10-23.

Conditions:
Alzheimer disease 3 (AD3). Also called: ALZHEIMER DISEASE, FAMILIAL, 3. Identifiers: Orphanet 1020, MedGen C1843013, MONDO:0011913, OMIM 607822.
Frontotemporal dementia (FTD1). Also called: Frontotemporal lobe dementia (FLDEM); WILHELMSEN-LYNCH DISEASE; Dementia, frontotemporal, with or without parkinsonism; Frontotemporal Dementia with Parkinsonism-17 (FTDP-17); MULTIPLE SYSTEM TAUOPATHY WITH PRESENILE DEMENTIA; FRONTOTEMPORAL DEMENTIA WITH PARKINSONISM. Identifiers: Orphanet 282, MedGen C0338451, MONDO:0017276, OMIM 600274, HP:0002145.
Pick disease. Also called: Pick Disease of the Brain; Pick's disease; LOBAR ATROPHY OF BRAIN; PICK DISEASE OF BRAIN; DEMENTIA WITH LOBAR ATROPHY AND NEURONAL CYTOPLASMIC INCLUSIONS. Identifiers: Orphanet 282, MedGen C0236642, MONDO:0008243, OMIM 172700.
Acne inversa, familial, 3 (ACNINV3). Identifiers: MedGen C3151038, MONDO:0013398, OMIM 613737.

Allele frequency attached by ClinVar (database versions not stated): gnomAD exomes below 0.00001.
gnomAD v4.1: 1 of 1,598,294 alleles (0.000063%); highest among the groups gnomAD compares: Non-Finnish European, 0.000086%; no homozygotes.

Submissions (2):

Labcorp Genetics (formerly Invitae), Labcorp
Classification: Likely pathogenic for Alzheimer disease 3; Pick disease; Acne inversa, familial, 3; Frontotemporal dementia. Last evaluated: 2023-10-23. Review status: criteria provided, single submitter. Criteria: Invitae Variant Classification Sherloc (09022015). Collection method: clinical testing. Allele origin: germline.
Comment: This sequence change replaces alanine, which is neutral and non-polar, with glycine, which is neutral and non-polar, at codon 260 of the PSEN1 protein (p.Ala260Gly). This variant is not present in population databases (gnomAD no frequency). This missense change has been observed in individuals with early-onset Alzheimer disease (PMID: 24928124, 32328830). Advanced modeling of protein sequence and biophysical properties (such as structural, functional, and spatial information, amino acid conservation, physicochemical variation, residue mobility, and thermodynamic stability) performed at Invitae indicates that this missense variant is expected to disrupt PSEN1 protein function with a positive predictive value of 80%. This variant disrupts the p.Ala260 amino acid residue in PSEN1. Other variant(s) that disrupt this residue have been determined to be pathogenic (PMID: 9007097, 10468510, 11489281, 24773620, 27777022, 27930341). This suggests that this residue is clinically significant, and that variants that disrupt this residue are likely to be disease-causing. In summary, the currently available evidence indicates that the variant is pathogenic, but additional data are needed to prove that conclusively. Therefore, this variant has been classified as Likely Pathogenic.

Athena Diagnostics
Classification: Uncertain significance. Last evaluated: 2023-02-28. Review status: criteria provided, single submitter. Criteria: Athena Diagnostics Criteria. Collection method: clinical testing. Allele origin: unknown.
Comment: Available data are insufficient to determine the clinical significance of the variant at this time. This variant has been identified in at least one individual with clinical features of Alzheimer disease. This variant has not been reported in large, multi-ethnic general populations. At least one other missense variant at this codon is considered to be pathogenic or likely pathogenic, suggesting this variant may also cause disease. Computational tools predict that this variant is damaging.

Literature cited by the submitters: PubMed 24928124 (cited by Labcorp Genetics (formerly Invitae), Labcorp and Athena Diagnostics); PubMed 32328830 (cited by Labcorp Genetics (formerly Invitae), Labcorp and Athena Diagnostics); PubMed 9007097 (cited by Labcorp Genetics (formerly Invitae), Labcorp); PubMed 10468510 (cited by Labcorp Genetics (formerly Invitae), Labcorp); PubMed 11489281 (cited by Labcorp Genetics (formerly Invitae), Labcorp); PubMed 24773620 (cited by Labcorp Genetics (formerly Invitae), Labcorp); PubMed 27777022 (cited by Labcorp Genetics (formerly Invitae), Labcorp); PubMed 27930341 (cited by Labcorp Genetics (formerly Invitae), Labcorp); PubMed 25217249 (cited by Athena Diagnostics); PubMed 35065037 (cited by Athena Diagnostics).

NM_000021.4(PSEN1):c.779C>G (p.Ala260Gly)

Gene: PSEN1 (presenilin 1; plus strand). Cytogenetic location: 14q24.2.
Variant type: single nucleotide variant.
Coding change: c.779C>G on transcript NM_000021.4 (MANE Select); coding-DNA position 779, C replaced by G.
Protein change: p.Ala260Gly; replaces alanine 260 with glycine.
Molecular consequence: missense variant.
Genome position (GRCh38, 1-based): chr14:73,198,040, C>G. VCF-style: chr14-73198040-C-G. GRCh37 (hg19) VCF-style: chr14-73664748-C-G.
Other names: c.767C>G, p.Ala256Gly (NM_007318.3); short protein forms A256G, A260G.
Identifiers: ClinVar variation 2684318 (VCV002684318.4), dbSNP rs63751420, ClinGen allele CA390301923.
Genomic context (GRCh38, chr14:73,198,040, plus strand): 5'-AGTTTAGCCCATACATTTTATTAGATGTCTTTTATGTTTTTCTTTTTCTAGATTTAGTGG[C>G]TGTTTTGTGTCCGAAAGGTCCACTTCGTATGCTGGTTGAAACAGCTCAGGAGAGAAATGA-3'
Protein context (NP_000012.1, residues 250-270): LAVISVYDLV[Ala260Gly]VLCPKGPLRM